The following is an entry in ClinVar:

ClinVar aggregate classification (germline): Benign. Review status: criteria provided, single submitter (1 of 4 stars). 2 submissions from 2 submitters: Benign (1). 1 of the submissions does not count toward it. Last evaluated 2018-01-12.

Conditions:
HSF4-related disorder. Also called: HSF4-related condition.
Cataract 5 multiple types (CTRCT5). Also called: CATARACT 5, LAMELLAR; Lamellar cataract; CATARACT, MARNER TYPE. Identifiers: Orphanet 91492, MedGen C0266537, MONDO:0007290, OMIM 116800, HP:0007971.

Allele frequency attached by ClinVar (database versions not stated): TOPMed 0.00018; gnomAD exomes 0.00026; ExAC 0.00030; ESP Exome Variant Server 0.00034.
gnomAD v4.1: 621 of 1,612,970 alleles (0.039%); highest among the groups gnomAD compares: Non-Finnish European, 0.049%; 1 homozygote.

Submissions (2):

Illumina Laboratory Services, Illumina
Classification: Benign for Cataract 5 multiple types. Last evaluated: 2018-01-12. Review status: criteria provided, single submitter. Criteria: ICSL Variant Classification Criteria 13 December 2019. Collection method: clinical testing. Allele origin: germline.
Comment: This variant was observed in the ICSL laboratory as part of a predisposition screen in an ostensibly healthy population. It had not been previously curated by ICSL or reported in the Human Gene Mutation Database (HGMD: prior to June 1st, 2018), and was therefore a candidate for classification through an automated scoring system. Utilizing variant allele frequency, disease prevalence and penetrance estimates, and inheritance mode, an automated score was calculated to assess if this variant is too frequent to cause the disease. Based on the score and internal cut-off values, a variant classified as benign is not then subjected to further curation. The score for this variant resulted in a classification of benign for this disease.

PreventionGenetics, part of Exact Sciences
Classification: Likely benign for HSF4-related condition. Last evaluated: 2020-01-28. Review status: no assertion criteria provided. Collection method: clinical testing. Allele origin: germline. Not counted in ClinVar's aggregate classification.
Comment: This variant is classified as likely benign based on ACMG/AMP sequence variant interpretation guidelines (Richards et al. 2015 PMID: 25741868, with internal and published modifications).

NM_001374675.1(HSF4):c.*8C>T

Gene: HSF4 (heat shock transcription factor 4; plus strand). Cytogenetic location: 16q22.1.
Variant type: single nucleotide variant.
Coding change: c.*8C>T on transcript NM_001374675.1 (MANE Select); 8 bases downstream of the stop codon, C replaced by T.
Molecular consequence: 3 prime UTR variant.
Genome position (GRCh38, 1-based): chr16:67,169,793, C>T. VCF-style: chr16-67169793-C-T. GRCh37 (hg19) VCF-style: chr16-67203696-C-T.
Other names: c.*8C>T (NM_001040667.3, NM_001374674.1, NM_001538.4).
Identifiers: ClinVar variation 886552 (VCV000886552.6), dbSNP rs372224972, ClinGen allele CA8102209.